The following is an entry in ClinVar:

ClinVar aggregate classification (germline): Conflicting classifications of pathogenicity. Review status: criteria provided, conflicting classifications (1 of 4 stars). 4 submissions from 3 submitters: Pathogenic (1); Uncertain significance (2). 1 of the submissions does not count toward it. Last evaluated 2024-12-10.

Conditions:
Vitamin D-dependent rickets type II with alopecia (VDDR2A). Also called: GENERALIZED RESISTANCE TO 1,25-DIHYDROXYVITAMIN D; HYPOCALCEMIC VITAMIN D-RESISTANT RICKETS; PDDR IIA; PSEUDOVITAMIN D-DEFICIENCY, TYPE IIA; RICKETS, HEREDITARY VITAMIN D-RESISTANT; RICKETS-ALOPECIA SYNDROME. Identifiers: Orphanet 93160, MedGen C0342646, MONDO:0010186, OMIM 277440.
Familial adenomatous polyposis 2. Also called: COLORECTAL ADENOMATOUS POLYPOSIS, AUTOSOMAL RECESSIVE; ADENOMAS, MULTIPLE COLORECTAL, AUTOSOMAL RECESSIVE; FAP type 2; Adenomas, multiple colorectal; MUTYH-associated polyposis; MUTYH-related attenuated familial adenomatous polyposis. Identifiers: Orphanet 220460, Orphanet 247798, MedGen C3272841, MONDO:0012041, OMIM 608456.

Allele frequency attached by ClinVar (database versions not stated): gnomAD exomes 0.00001.
gnomAD v4.1: 4 of 1,614,196 alleles (0.00025%); highest among the groups gnomAD compares: African/African-American, 0.0013%; no homozygotes.

Submissions (4):

Labcorp Genetics (formerly Invitae), Labcorp
Classification: Pathogenic. Last evaluated: 2024-12-10. Review status: criteria provided, single submitter. Criteria: Invitae Variant Classification Sherloc (09022015). Collection method: clinical testing. Allele origin: germline.
Comment: This sequence change replaces isoleucine, which is neutral and non-polar, with threonine, which is neutral and polar, at codon 268 of the VDR protein (p.Ile268Thr). This variant is present in population databases (no rsID available, gnomAD 0.007%). This missense change has been observed in individual(s) with hereditary vitamin D-resistant rickets (PMID: 15308610, 31557081, 36705686). ClinVar contains an entry for this variant (Variation ID: 1162259). Invitae Evidence Modeling of protein sequence and biophysical properties (such as structural, functional, and spatial information, amino acid conservation, physicochemical variation, residue mobility, and thermodynamic stability) indicates that this missense variant is not expected to disrupt VDR protein function with a negative predictive value of 80%. Experimental studies have shown that this missense change affects VDR function (PMID: 15308610). For these reasons, this variant has been classified as Pathogenic.

Neuberg Centre For Genomic Medicine, NCGM
Classification: Uncertain significance for Familial adenomatous polyposis 2. Review status: criteria provided, single submitter. Criteria: ACMG Guidelines, 2015. Collection method: clinical testing. Allele origin: germline. Inheritance: Autosomal recessive inheritance. Affected: yes. Observed: 1 homozygote.
Comment: The missense variant p.I268T in VDR (NM_001017535.1) has not been reported previously as a pathogenic variant nor as a benign variant, to our knowledge. The p.I268T variant is observed in 1/16,256 (0.0062%) alleles from individuals of African background in gnomAD Exomes and is novel (not in any individuals) in 1000 Genomes.There is a moderate physicochemical difference between isoleucine and threonine. The p.I268T missense variant is predicted to be damaging by both SIFT and PolyPhen2. The isoleucine residue at codon 268 of VDR is conserved in all mammalian species. The nucleotide c.803 in VDR is predicted conserved by GERP++ and PhyloP across 100 vertebrates. For these reasons, this variant has been classified as Uncertain Significance.

Neuberg Centre For Genomic Medicine, NCGM
Classification: Uncertain significance for Vitamin D-dependent rickets type II with alopecia. Review status: criteria provided, single submitter. Criteria: ACMG Guidelines, 2015. Collection method: clinical testing. Allele origin: germline. Inheritance: Autosomal recessive inheritance. Affected: yes.

FAHD UNIT, Department of Genetics, King Faisal Specialist Hospital and Research Centre
Classification: Uncertain significance for Vitamin D-dependent rickets type II with alopecia. Review status: no assertion criteria provided. Collection method: clinical testing. Allele origin: unknown. Affected: yes. Not counted in ClinVar's aggregate classification.

Literature cited by the submitters: PubMed 15308610 (cited by Labcorp Genetics (formerly Invitae), Labcorp); PubMed 31557081 (cited by Labcorp Genetics (formerly Invitae), Labcorp); PubMed 36705686 (cited by Labcorp Genetics (formerly Invitae), Labcorp); PubMed 17970811 (cited by Neuberg Centre For Genomic Medicine, NCGM).

NM_000376.3(VDR):c.803T>C (p.Ile268Thr)

Gene: VDR (vitamin D receptor; minus strand). Cytogenetic location: 12q13.11.
Variant type: single nucleotide variant.
Coding change: c.803T>C on transcript NM_000376.3 (MANE Select); coding-DNA position 803, T replaced by C.
Protein change: p.Ile268Thr; replaces isoleucine 268 with threonine.
Molecular consequence: missense variant.
Genome position (GRCh38, 1-based): chr12:47,846,761, A>G on the plus strand (T>C on the coding strand, the complement: VDR is on the minus strand). VCF-style: chr12-47846761-A-G. GRCh37 (hg19) VCF-style: chr12-48240544-A-G.
Other names: c.953T>C, p.Ile318Thr (NM_001017536.2); c.803T>C, p.Ile268Thr (NM_001364085.2, NM_001374661.1, NM_001374662.1 and 1 more transcripts); short protein forms I268T, I318T.
Identifiers: ClinVar variation 1162259 (VCV001162259.6), dbSNP rs1164008328, ClinGen allele CA384516696.